The following is an entry in ClinVar:

NM_025074.7(FRAS1):c.2557G>T (p.Glu853Ter)

Gene: FRAS1 (Fraser extracellular matrix complex subunit 1; plus strand). Cytogenetic location: 4q21.21.
Variant type: single nucleotide variant.
Coding change: c.2557G>T on transcript NM_025074.7 (MANE Select); coding-DNA position 2557, G replaced by T.
Protein change: p.Glu853Ter; replaces glutamic acid 853 with a stop codon.
Molecular consequence: nonsense.
Genome position (GRCh38, 1-based): chr4:78,363,647, G>T. VCF-style: chr4-78363647-G-T. GRCh37 (hg19) VCF-style: chr4-79284801-G-T.
Other names: c.2557G>T, p.Glu853Ter (NM_001166133.2); short protein forms E853*.
Identifiers: ClinVar variation 2843666 (VCV002843666.3), dbSNP rs2476855886, ClinGen allele CA357371854.

ClinVar aggregate classification (germline): Pathogenic (1 of 4 stars; one submission).

Allele frequency attached by ClinVar (database versions not stated): gnomAD exomes below 0.00001.
gnomAD v4.1: 1 of 1,594,276 alleles (0.000063%); highest among the groups gnomAD compares: Non-Finnish European, 0.000085%; no homozygotes.

Submission:

Labcorp Genetics (formerly Invitae), Labcorp
Classification: Pathogenic. Last evaluated: 2023-09-27. Review status: criteria provided, single submitter. Criteria: Invitae Variant Classification Sherloc (09022015). Collection method: clinical testing. Allele origin: germline.
Comment: This sequence change creates a premature translational stop signal (p.Glu853*) in the FRAS1 gene. It is expected to result in an absent or disrupted protein product. Loss-of-function variants in FRAS1 are known to be pathogenic (PMID: 12766769, 18671281). This variant is not present in population databases (gnomAD no frequency). This variant has not been reported in the literature in individuals affected with FRAS1-related conditions. For these reasons, this variant has been classified as Pathogenic.

Literature cited by the submitters: PubMed 12766769; PubMed 18671281.